The following is an entry in ClinVar:

ClinVar aggregate classification (germline): Uncertain significance (1 of 4 stars; one submission).

Allele frequency attached by ClinVar (database versions not stated): gnomAD exomes 0.00001.
gnomAD v4.1: 9 of 1,586,466 alleles (0.00057%); highest among the groups gnomAD compares: Admixed American, 0.0018%; no homozygotes.

Submission:

Labcorp Genetics (formerly Invitae), Labcorp
Classification: Uncertain significance. Last evaluated: 2021-11-17. Review status: criteria provided, single submitter. Criteria: Invitae Variant Classification Sherloc (09022015). Collection method: clinical testing. Allele origin: germline.
Comment: This variant has not been reported in the literature in individuals affected with KIAA1549-related conditions. The frequency data for this variant in the population databases is considered unreliable, as metrics indicate poor data quality at this position in the gnomAD database. This sequence change replaces valine, which is neutral and non-polar, with isoleucine, which is neutral and non-polar, at codon 1046 of the KIAA1549 protein (p.Val1046Ile). In summary, the available evidence is currently insufficient to determine the role of this variant in disease. Therefore, it has been classified as a Variant of Uncertain Significance. Algorithms developed to predict the effect of missense changes on protein structure and function are either unavailable or do not agree on the potential impact of this missense change (SIFT: "Deleterious"; PolyPhen-2: "Probably Damaging"; Align-GVGD: "Class C0").

NM_001164665.2(KIAA1549):c.3136G>A (p.Val1046Ile)

Gene: KIAA1549 (KIAA1549; minus strand). Cytogenetic location: 7q34.
Variant type: single nucleotide variant.
Coding change: c.3136G>A on transcript NM_001164665.2 (MANE Select); coding-DNA position 3136, G replaced by A.
Protein change: p.Val1046Ile; replaces valine 1046 with isoleucine.
Molecular consequence: missense variant.
Genome position (GRCh38, 1-based): chr7:138,911,155, C>T on the plus strand (G>A on the coding strand, the complement: KIAA1549 is on the minus strand). VCF-style: chr7-138911155-C-T. GRCh37 (hg19) VCF-style: chr7-138595901-C-T.
Other names: c.3136G>A, p.Val1046Ile (NM_020910.3); short protein forms V1046I.
Identifiers: ClinVar variation 1349165 (VCV001349165.6), dbSNP rs1430870322, ClinGen allele CA369388505.